The following is an entry in ClinVar:

ClinVar aggregate classification (germline): Benign/Likely benign. Review status: criteria provided, multiple submitters, no conflicts (2 of 4 stars). 4 submissions from 4 submitters: Benign (1); Likely benign (2). 1 of the submissions does not count toward it. Last evaluated 2019-08-23.

Conditions:
Becker muscular dystrophy (BMD). Also called: Becker Muscular Dystrophy (BMD); MUSCULAR DYSTROPHY, PSEUDOHYPERTROPHIC PROGRESSIVE, BECKER TYPE. Identifiers: Orphanet 98895, MedGen C0917713, MONDO:0010311, OMIM 300376.
Duchenne muscular dystrophy (DMD). Also called: Duchenne Muscular Dystrophy (DMD); MUSCULAR DYSTROPHY, PSEUDOHYPERTROPHIC PROGRESSIVE, DUCHENNE TYPE. Identifiers: Orphanet 98896, MedGen C0013264, MONDO:0010679, OMIM 310200.
Cardiomyopathy (CMYO). Also called: Cardiomyopathies. Identifiers: Orphanet 167848, MedGen C0878544, MONDO:0004994, HP:0001638. Inheritance: Various modes of inheritance.
Dystrophin deficiency.

Allele frequency attached by ClinVar (database versions not stated): 1000 Genomes Project 30x 0.00520; 1000 Genomes Project 0.00583; TOPMed 0.00871; gnomAD 0.01033 and 0.01045; ESP Exome Variant Server 0.01071; gnomAD exomes 0.01103 and 0.01274; ExAC 0.01201.
gnomAD v4.1: 12,865 of 1,034,341 alleles (1.2%); highest among the groups gnomAD compares: Non-Finnish European, 1.4%; 72 homozygotes.

Submissions (4):

GeneDx
Classification: Likely benign. Last evaluated: 2019-08-23. Review status: criteria provided, single submitter. Criteria: GeneDx Variant Classification Process June 2021. Collection method: clinical testing. Allele origin: germline. Affected: yes.

Eurofins Ntd Llc (ga)
Classification: Benign. Last evaluated: 2013-08-13. Review status: criteria provided, single submitter. Criteria: EGL Classification Definitions 2015. Collection method: clinical testing. Allele origin: germline. Observed: 8 variant alleles, 3 heterozygotes, 1 homozygote, 4 hemizygotes.

Breakthrough Genomics
Classification: Likely benign. Review status: criteria provided, single submitter. Criteria: ACMG Guidelines, 2015. Collection method: not provided. Allele origin: germline. Inheritance: X-linked inheritance. Affected: yes.

Natera, Inc.
Classification: Benign for Becker muscular dystrophy; Cardiomyopathy; Duchenne muscular dystrophy; Dystrophin deficiency. Last evaluated: 2018-04-10. Review status: no assertion criteria provided. Collection method: clinical testing. Allele origin: germline. Not counted in ClinVar's aggregate classification.

NM_004006.3(DMD):c.7310-36C>T

Gene: DMD (dystrophin; minus strand). Cytogenetic location: Xp21.1.
Variant type: single nucleotide variant.
Coding change: c.7310-36C>T on transcript NM_004006.3 (MANE Select); 36 bases into the intron before coding-DNA position 7310, C replaced by T.
Molecular consequence: intron variant.
Genome position (GRCh38, 1-based): chrX:31,774,228, G>A on the plus strand (C>T on the coding strand, the complement: DMD is on the minus strand). VCF-style: chrX-31774228-G-A. GRCh37 (hg19) VCF-style: chrX-31792345-G-A.
Other names: c.7286-36C>T (NM_000109.4); c.3287-36C>T (NM_004011.4); c.3278-36C>T (NM_004012.4); c.-71-36C>T (NM_004023.3, NM_004020.4, NM_004022.3 and 2 more transcripts); c.7298-36C>T (NM_004009.3); c.6941-36C>T (NM_004010.3).
Identifiers: ClinVar variation 94763 (VCV000094763.9), dbSNP rs72466586, ClinGen allele CA147855.